The following is an entry in ClinVar:

NM_004380.3(CREBBP):c.2986G>T (p.Glu996Ter)

Gene: CREBBP (CREB binding lysine acetyltransferase; minus strand). Cytogenetic location: 16p13.3.
Variant type: single nucleotide variant.
Coding change: c.2986G>T on transcript NM_004380.3 (MANE Select); coding-DNA position 2986, G replaced by T.
Protein change: p.Glu996Ter; replaces glutamic acid 996 with a stop codon.
Molecular consequence: nonsense.
Genome position (GRCh38, 1-based): chr16:3,769,248, C>A on the plus strand (G>T on the coding strand, the complement: CREBBP is on the minus strand). VCF-style: chr16-3769248-C-A. GRCh37 (hg19) VCF-style: chr16-3819249-C-A.
Other names: c.2872G>T, p.Glu958Ter (NM_001079846.1); short protein forms E958*, E996*.
Identifiers: ClinVar variation 4530116 (VCV004530116.1).

ClinVar aggregate classification (somatic clinical impact): Tier II - Potential (1 of 4 stars; one submission).

Conditions:
Neuroblastoma (NB). Identifiers: Orphanet 635, MedGen C0027819, MeSH D009447, MONDO:0005072, HP:0003006.

Submission:

Institute for Genomic Medicine (IGM) Clinical Laboratory, Nationwide Children's Hospital
Classification: Tier II - Potential for Neuroblastoma. Assertion type: diagnostic. Clinical significance: supports diagnosis. Last evaluated: 2025-04-07. Review status: criteria provided, single submitter. Criteria: AMP/ASCO/CAP Guidelines, 2017. Collection method: clinical testing. Allele origin: somatic. Affected: yes.
Comment: Variant has Tier II (potential) clinical significance as a diagnostic inclusion criterion in neuroblastoma, based on the following evidence: 1) Documented in one or more cancer databases (e.g., St. Jude Pecan, COSMIC, CIViC, OncoKB). 2) Diagnostic significance based on multiple small studies (Evidence Level C; PMIDs: 23334666, 33381456).

Literature cited by the submitters: PubMed 23334666; PubMed 33381456.